The following is an entry in ClinVar:

NM_020297.4(ABCC9):c.2770-3C>T

Gene: ABCC9 (ATP binding cassette subfamily C member 9; minus strand). Cytogenetic location: 12p12.1.
Variant type: single nucleotide variant.
Coding change: c.2770-3C>T on transcript NM_020297.4 (MANE Select); 3 bases into the intron before coding-DNA position 2770, C replaced by T.
Molecular consequence: intron variant.
Genome position (GRCh38, 1-based): chr12:21,848,249, G>A on the plus strand (C>T on the coding strand, the complement: ABCC9 is on the minus strand). VCF-style: chr12-21848249-G-A. GRCh37 (hg19) VCF-style: chr12-22001183-G-A.
Other names: c.1903-3C>T (NM_001377274.1); c.2770-3C>T (NM_005691.4, NM_001377273.1).
Identifiers: ClinVar variation 1465693 (VCV001465693.6), dbSNP rs1260462177, ClinGen allele CA478871529.
Genomic context (GRCh38, chr12:21,848,249, plus strand): 5'-AATACATGGCCCGTCGGAGAGTTTTCCTCTCTAAAGTAGTTTGGTCAGCTTCCATATCCT[G>A]CAGTAAACATTGTACTATCATGCAAGGAGCTAACACCAATAGGTTGTGACTTATCAATGA-3'

ClinVar aggregate classification (germline): Uncertain significance (1 of 4 stars; one submission).

Conditions:
Dilated cardiomyopathy 1O (CMD1O). Also called: CARDIOMYOPATHY, DILATED, WITH VENTRICULAR TACHYCARDIA. Identifiers: Orphanet 154, MedGen C1837839, MONDO:0012062, OMIM 608569.

Allele frequency attached by ClinVar (database versions not stated): TOPMed below 0.00001; gnomAD 0.00001.
gnomAD v4.1: 1 of 1,611,824 alleles (0.000062%); highest among the groups gnomAD compares: Non-Finnish European, 0.000085%; no homozygotes.

Submission:

Labcorp Genetics (formerly Invitae), Labcorp
Classification: Uncertain significance for Dilated cardiomyopathy 1O. Last evaluated: 2023-03-02. Review status: criteria provided, single submitter. Criteria: Invitae Variant Classification Sherloc (09022015). Collection method: clinical testing. Allele origin: germline.
Comment: In summary, the available evidence is currently insufficient to determine the role of this variant in disease. Therefore, it has been classified as a Variant of Uncertain Significance. Variants that disrupt the consensus splice site are a relatively common cause of aberrant splicing (PMID: 17576681, 9536098). Algorithms developed to predict the effect of sequence changes on RNA splicing suggest that this variant may disrupt the consensus splice site. ClinVar contains an entry for this variant (Variation ID: 1465693). This variant has not been reported in the literature in individuals affected with ABCC9-related conditions. This variant is not present in population databases (gnomAD no frequency). This sequence change falls in intron 22 of the ABCC9 gene. It does not directly change the encoded amino acid sequence of the ABCC9 protein. It affects a nucleotide within the consensus splice site.

Literature cited by the submitters: PubMed 17576681; PubMed 9536098.